The following is an entry in ClinVar:

ClinVar aggregate classification (germline): Uncertain significance (1 of 4 stars; one submission).

Conditions:
Aicardi-Goutieres syndrome 5. Identifiers: Orphanet 51, MedGen C2749659, MONDO:0013059, OMIM 612952.

Allele frequency attached by ClinVar (database versions not stated): TOPMed 0.00002.
gnomAD v4.1: 8 of 1,613,492 alleles (0.0005%); highest among the groups gnomAD compares: East Asian, 0.0022%; no homozygotes.

Submission:

Labcorp Genetics (formerly Invitae), Labcorp
Classification: Uncertain significance for Aicardi-Goutieres syndrome 5. Last evaluated: 2024-08-12. Review status: criteria provided, single submitter. Criteria: Invitae Variant Classification Sherloc (09022015). Collection method: clinical testing. Allele origin: germline.
Comment: This sequence change replaces valine, which is neutral and non-polar, with isoleucine, which is neutral and non-polar, at codon 133 of the SAMHD1 protein (p.Val133Ile). This variant is present in population databases (no rsID available, gnomAD 0.002%). This variant has not been reported in the literature in individuals affected with SAMHD1-related conditions. ClinVar contains an entry for this variant (Variation ID: 2144675). Advanced modeling of protein sequence and biophysical properties (such as structural, functional, and spatial information, amino acid conservation, physicochemical variation, residue mobility, and thermodynamic stability) performed at Invitae indicates that this missense variant is not expected to disrupt SAMHD1 protein function with a negative predictive value of 80%. Experimental studies have shown that this missense change affects SAMHD1 function (PMID: 27071091). In summary, the available evidence is currently insufficient to determine the role of this variant in disease. Therefore, it has been classified as a Variant of Uncertain Significance.

Literature cited by the submitters: PubMed 27071091.

NM_015474.4(SAMHD1):c.397G>A (p.Val133Ile)

Gene: SAMHD1 (SAM and HD domain containing deoxynucleoside triphosphate triphosphohydrolase 1; minus strand). Cytogenetic location: 20q11.23.
Variant type: single nucleotide variant.
Coding change: c.397G>A on transcript NM_015474.4 (MANE Select); coding-DNA position 397, G replaced by A.
Protein change: p.Val133Ile; replaces valine 133 with isoleucine.
Molecular consequence: missense variant.
Genome position (GRCh38, 1-based): chr20:36,935,141, C>T on the plus strand (G>A on the coding strand, the complement: SAMHD1 is on the minus strand). VCF-style: chr20-36935141-C-T. GRCh37 (hg19) VCF-style: chr20-35563544-C-T.
Other names: c.397G>A, p.Val133Ile (NM_001363729.2, NM_001363733.2); short protein forms V133I.
Identifiers: ClinVar variation 2144675 (VCV002144675.3), dbSNP rs1371480402, ClinGen allele CA408823252.